The following is an entry in ClinVar:

NM_001106.4(ACVR2B):c.61C>T (p.Arg21Cys)

Gene: ACVR2B (activin A receptor type 2B; plus strand). Cytogenetic location: 3p22.2.
Variant type: single nucleotide variant.
Coding change: c.61C>T on transcript NM_001106.4 (MANE Select); coding-DNA position 61, C replaced by T.
Protein change: p.Arg21Cys; replaces arginine 21 with cysteine.
Molecular consequence: missense variant.
Genome position (GRCh38, 1-based): chr3:38,477,295, C>T. VCF-style: chr3-38477295-C-T. GRCh37 (hg19) VCF-style: chr3-38518786-C-T.
Other names: short protein forms R21C.
Identifiers: ClinVar variation 2635749 (VCV002635749.1), dbSNP rs1409388869, ClinGen allele CA352125830.

ClinVar aggregate classification (germline): Uncertain significance (1 of 4 stars; one submission).

Conditions:
ACVR2B-related disorder. Also called: ACVR2B-related condition.

Allele frequency attached by ClinVar (database versions not stated): gnomAD exomes below 0.00001; TOPMed below 0.00001.

Submission:

PreventionGenetics, part of Exact Sciences
Classification: Uncertain significance for ACVR2B-related condition. Last evaluated: 2022-09-21. Review status: criteria provided, single submitter. Criteria: ACMG Guidelines, 2015. Collection method: clinical testing. Allele origin: germline.
Comment: The ACVR2B c.61C>T variant is predicted to result in the amino acid substitution p.Arg21Cys. To our knowledge, this variant has not been reported in the literature or in a large population database, indicating this variant is rare. Although we suspect that this variant may be pathogenic, at this time, the clinical significance of this variant is uncertain due to the absence of conclusive functional and genetic evidence.